The following is an entry in ClinVar:

NM_130839.5(UBE3A):c.1271C>G (p.Pro424Arg)

Genes: SNHG14 (small nucleolar RNA host gene 14; plus strand), UBE3A (ubiquitin protein ligase E3A; minus strand). Cytogenetic location: 15q11.2.
Variant type: single nucleotide variant.
Coding change: c.1271C>G on transcript NM_130839.5 (MANE Select); coding-DNA position 1271, C replaced by G.
Protein change: p.Pro424Arg; replaces proline 424 with arginine.
Molecular consequence: missense variant. On other transcripts: non-coding transcript variant (1), intron variant (2).
Genome position (GRCh38, 1-based): chr15:25,370,903, G>C on the plus strand (C>G on the coding strand, the complement: UBE3A is on the minus strand). VCF-style: chr15-25370903-G-C. GRCh37 (hg19) VCF-style: chr15-25616050-G-C.
Other names: c.1280C>G, p.Pro427Arg (NM_000462.5); c.1271C>G, p.Pro424Arg (NM_001354505.1, NM_001354538.2, NM_001354545.2); c.1211C>G, p.Pro404Arg (NM_001354506.2, NM_001354507.2, NM_001354508.2 and 17 more transcripts); c.1094C>G, p.Pro365Arg (NM_001354546.2); c.301+4562C>G (NM_001354551.2); c.361+4562C>G (NM_001354550.2); short protein forms P404R, P424R, P427R, P365R.
Identifiers: ClinVar variation 590138 (VCV000590138.5), dbSNP rs1566955976, ClinGen allele CA391353979.
Genomic context (GRCh38, chr15:25,370,903, plus strand): 5'-TCAAAAGGGATAAGTGGTTTTCGACAATCCAGGGTTTTAACACCAAGTTCAGTTTCCAGG[G>C]GGTCCACTCGAGGACCTTTCTTGTTTCTTCTTTCTTCTCCCAAAAGTTCCTGAAGTGTCA-3'
Protein context (NP_570854.1, residues 414-434): RRNKKGPRVD[Pro424Arg]LETELGVKTL

ClinVar aggregate classification (germline): Uncertain significance (1 of 4 stars; one submission).

Conditions:
Inborn genetic diseases. Identifiers: MedGen C0950123, MeSH D030342.

Submission:

Ambry Genetics
Classification: Uncertain significance for Inborn genetic diseases. Last evaluated: 2017-05-23. Review status: criteria provided, single submitter. Criteria: Ambry Variant Classification Scheme 2023. Collection method: clinical testing. Allele origin: germline.
Comment: The p.P404R variant (also known as c.1211C>G), located in coding exon 3 of the UBE3A gene, results from a C to G substitution at nucleotide position 1211. The proline at codon 404 is replaced by arginine, an amino acid with dissimilar properties. This amino acid position is well conserved in available vertebrate species. In addition, the in silico prediction for this alteration is inconclusive. Since supporting evidence is limited at this time, the clinical significance of this alteration remains unclear.